The following is an entry in ClinVar:

NM_005477.3(HCN4):c.1840G>A (p.Glu614Lys)

Gene: HCN4 (hyperpolarization activated cyclic nucleotide gated potassium channel 4; minus strand). Cytogenetic location: 15q24.1.
Variant type: single nucleotide variant.
Coding change: c.1840G>A on transcript NM_005477.3 (MANE Select); coding-DNA position 1840, G replaced by A.
Protein change: p.Glu614Lys; replaces glutamic acid 614 with lysine.
Molecular consequence: missense variant.
Genome position (GRCh38, 1-based): chr15:73,325,093, C>T on the plus strand (G>A on the coding strand, the complement: HCN4 is on the minus strand). VCF-style: chr15-73325093-C-T. GRCh37 (hg19) VCF-style: chr15-73617434-C-T.
Other names: short protein forms E614K.
Identifiers: ClinVar variation 191454 (VCV000191454.12), dbSNP rs201319883, ClinGen allele CA236705.
Genomic context (GRCh38, chr15:73,325,093, plus strand): 5'-AGTACATCTTCTTGCCAATGGTGCCTTCCCGGATGATGTAGTCCCCAGGCTGGAAGACCT[C>T]GAAACGCAGCTTGGTCAGCATGGACGTCACGAAGTTGGGGTCCGCATTGGCAAACAGTGG-3'
Protein context (NP_005468.1, residues 604-624): VTSMLTKLRF[Glu614Lys]VFQPGDYIIR

ClinVar aggregate classification (germline): Uncertain significance. Review status: criteria provided, multiple submitters, no conflicts (2 of 4 stars). 4 submissions from 4 submitters: Uncertain significance (4). Last evaluated 2024-12-19.

Conditions:
Cardiovascular phenotype. Identifiers: MedGen CN230736.
Brugada syndrome 8 (BRGDA8). Identifiers: Orphanet 130, MedGen C2751083, MONDO:0013148, OMIM 613123.
Ventricular tachycardia. Identifiers: MedGen C0042514, MONDO:0005477, HP:0004756.

Allele frequency attached by ClinVar (database versions not stated): ExAC 0.00001; gnomAD 0.00001; gnomAD exomes 0.00001 and 0.00003; TOPMed 0.00001.
gnomAD v4.1: 46 of 1,614,118 alleles (0.0028%); highest among the groups gnomAD compares: Non-Finnish European, 0.0036%; no homozygotes.

Submissions (4):

Labcorp Genetics (formerly Invitae), Labcorp
Classification: Uncertain significance for Brugada syndrome 8. Last evaluated: 2024-12-19. Review status: criteria provided, single submitter. Criteria: Invitae Variant Classification Sherloc (09022015). Collection method: clinical testing. Allele origin: germline.
Comment: This sequence change replaces glutamic acid, which is acidic and polar, with lysine, which is basic and polar, at codon 614 of the HCN4 protein (p.Glu614Lys). This variant is present in population databases (rs201319883, gnomAD 0.006%). This missense change has been observed in individual(s) with combined generalized-focal epilepsy (PMID: 30986657). ClinVar contains an entry for this variant (Variation ID: 191454). Invitae Evidence Modeling of protein sequence and biophysical properties (such as structural, functional, and spatial information, amino acid conservation, physicochemical variation, residue mobility, and thermodynamic stability) indicates that this missense variant is expected to disrupt HCN4 protein function with a positive predictive value of 95%. In summary, the available evidence is currently insufficient to determine the role of this variant in disease. Therefore, it has been classified as a Variant of Uncertain Significance.

Ambry Genetics
Classification: Uncertain significance for Cardiovascular phenotype. Last evaluated: 2024-04-08. Review status: criteria provided, single submitter. Criteria: Ambry Variant Classification Scheme 2023. Collection method: clinical testing. Allele origin: germline.
Comment: The p.E614K variant (also known as c.1840G>A), located in coding exon 6 of the HCN4 gene, results from a G to A substitution at nucleotide position 1840. The glutamic acid at codon 614 is replaced by lysine, an amino acid with similar properties. This amino acid position is highly conserved in available vertebrate species. In addition, this alteration is predicted to be deleterious by in silico analysis. Based on the available evidence, the clinical significance of this variant remains unclear.

Center for Advanced Laboratory Medicine, UC San Diego Health, University of California San Diego
Classification: Uncertain significance for Ventricular tachycardia. Last evaluated: 2018-09-15. Review status: criteria provided, single submitter. Criteria: ACMG Guidelines, 2015. Collection method: clinical testing. Allele origin: germline. Affected: yes. Observed: 1 variant allele.

Biesecker Lab/Clinical Genomics Section, National Institutes of Health
Classification: Uncertain significance. Last evaluated: 2013-06-24. Review status: criteria provided, single submitter. Criteria: Ng et al. (Circ Cardiovasc Genet. 2013). Collection method: research. Allele origin: unknown. Observed: 1 variant allele. Study: ClinSeq.
Comment: The study set was not selected for affection status in relation to any cancer. Pathogenicity categories were based on literature curation. See Pubmed ID:23861362 for details.

Medical sequencing

Literature cited by the submitters: PubMed 30986657 (cited by Labcorp Genetics (formerly Invitae), Labcorp).